The following is an entry in ClinVar:

NM_001039141.3(TRIOBP):c.3775G>A (p.Gly1259Arg)

Gene: TRIOBP (TRIO and F-actin binding protein; plus strand). Cytogenetic location: 22q13.1.
Variant type: single nucleotide variant.
Coding change: c.3775G>A on transcript NM_001039141.3 (MANE Select); coding-DNA position 3775, G replaced by A.
Protein change: p.Gly1259Arg; replaces glycine 1259 with arginine.
Molecular consequence: missense variant.
Genome position (GRCh38, 1-based): chr22:37,726,331, G>A. VCF-style: chr22-37726331-G-A. GRCh37 (hg19) VCF-style: chr22-38122338-G-A.
Other names: short protein forms G1259R.
Identifiers: ClinVar variation 432318 (VCV000432318.2), dbSNP rs755555403, ClinGen allele CA10224210.

ClinVar aggregate classification (germline): Uncertain significance (1 of 4 stars; one submission).

Allele frequency attached by ClinVar (database versions not stated): TOPMed 0.00005.
gnomAD v4.1: 18 of 1,611,504 alleles (0.0011%); highest among the groups gnomAD compares: Middle Eastern, 0.016%; no homozygotes.

Submission:

GeneDx
Classification: Uncertain significance. Last evaluated: 2017-06-05. Review status: criteria provided, single submitter. Criteria: GeneDx Variant Classification (06012015). Collection method: clinical testing. Allele origin: germline. Affected: yes.
Comment: The G1259R variant in the TRIOBP gene has not been reported previously as a pathogenic variant, nor as a benign variant, to our knowledge. The G1259R variant is not observed at a significant frequency in large population cohorts (Lek et al., 2016; 1000 Genomes Consortium et al., 2015; Exome Variant Server). The G1259R variant is a non-conservative amino acid substitution, which is likely to impact secondary protein structure as these residues differ in polarity, charge, size and/or other properties. However, this substitution occurs at a position that is not conserved, and in silico analysis is inconsistent in its predictions as to whether or not the variant is damaging to the protein structure/function. We interpret G1259R as a variant of uncertain significance.